The following is an entry in ClinVar:

NM_006231.4(POLE):c.989G>T (p.Gly330Val)

Gene: POLE (DNA polymerase epsilon, catalytic subunit; minus strand). Cytogenetic location: 12q24.33.
Variant type: single nucleotide variant.
Coding change: c.989G>T on transcript NM_006231.4 (MANE Select); coding-DNA position 989, G replaced by T.
Protein change: p.Gly330Val; replaces glycine 330 with valine.
Molecular consequence: missense variant.
Genome position (GRCh38, 1-based): chr12:132,676,125, C>A on the plus strand (G>T on the coding strand, the complement: POLE is on the minus strand). VCF-style: chr12-132676125-C-A. GRCh37 (hg19) VCF-style: chr12-133252711-C-A.
Other names: short protein forms G330V.
Identifiers: ClinVar variation 857468 (VCV000857468.14), dbSNP rs748288210, ClinGen allele CA387363588.
Genomic context (GRCh38, chr12:132,676,125, plus strand): 5'-GGGTAGTTTCCCAAGTGATACCTCCTTACCTCATCGGGTTCATTGAAGACACAAAAGGGG[C>A]CTTCATATTCTGGCTTGGGGGTGAACTCAAAATCTTCAATATCTTCTGAAACAATCTCCC-3'
Protein context (NP_006222.2, residues 320-340): FEFTPKPEYE[Gly330Val]PFCVFNEPDE

ClinVar aggregate classification (germline): Uncertain significance. Review status: criteria provided, multiple submitters, no conflicts (2 of 4 stars). 4 submissions from 4 submitters: Uncertain significance (4). Last evaluated 2025-03-20.

Conditions:
Polymerase proofreading-related adenomatous polyposis. Also called: Polymerase proofreading associated polyposis; Polymerase proofreading–associated polyposis (PPAP). Identifiers: Orphanet 447877, MedGen C5202613, MONDO:0018653.
Hereditary cancer-predisposing syndrome. Also called: Tumor predisposition; Hereditary neoplastic syndrome; Neoplastic Syndromes, Hereditary; Hereditary Cancer Syndrome. Identifiers: Orphanet 140162, MedGen C0027672, MeSH D009386, MONDO:0015356.

Submissions (4):

Labcorp Genetics (formerly Invitae), Labcorp
Classification: Uncertain significance. Last evaluated: 2025-03-20. Review status: criteria provided, single submitter. Criteria: Invitae Variant Classification Sherloc (09022015). Collection method: clinical testing. Allele origin: germline.
Comment: This sequence change replaces glycine, which is neutral and non-polar, with valine, which is neutral and non-polar, at codon 330 of the POLE protein (p.Gly330Val). This variant is not present in population databases (gnomAD no frequency). This variant has not been reported in the literature in individuals affected with POLE-related conditions. ClinVar contains an entry for this variant (Variation ID: 857468). Invitae Evidence Modeling of protein sequence and biophysical properties (such as structural, functional, and spatial information, amino acid conservation, physicochemical variation, residue mobility, and thermodynamic stability) indicates that this missense variant is expected to disrupt POLE protein function with a positive predictive value of 80%. In summary, the available evidence is currently insufficient to determine the role of this variant in disease. Therefore, it has been classified as a Variant of Uncertain Significance.

Ambry Genetics
Classification: Uncertain significance for Hereditary cancer-predisposing syndrome. Last evaluated: 2024-07-31. Review status: criteria provided, single submitter. Criteria: Ambry Variant Classification Scheme 2023. Collection method: clinical testing. Allele origin: germline.
Comment: The p.G330V variant (also known as c.989G>T), located in coding exon 10 of the POLE gene, results from a G to T substitution at nucleotide position 989. The glycine at codon 330 is replaced by valine, an amino acid with dissimilar properties. This amino acid position is highly conserved in available vertebrate species. In addition, the in silico prediction for this alteration is inconclusive. Based on the available evidence, the clinical significance of this variant remains unclear.

Department of Pathology and Laboratory Medicine, Sinai Health System
Classification: Uncertain significance for Polymerase proofreading-related adenomatous polyposis. Last evaluated: 2022-03-23. Review status: criteria provided, single submitter. Criteria: ACMG Guidelines, 2015. Collection method: clinical testing. Allele origin: germline. Affected: yes.

Quest Diagnostics Nichols Institute San Juan Capistrano
Classification: Uncertain significance. Last evaluated: 2020-12-03. Review status: criteria provided, single submitter. Criteria: Quest Diagnostics criteria. Collection method: clinical testing. Allele origin: unknown.